The following is an entry in ClinVar:

ClinVar aggregate classification (germline): Benign/Likely benign. Review status: criteria provided, multiple submitters, no conflicts (2 of 4 stars). 3 submissions from 3 submitters: Benign (1); Likely benign (1). 1 of the submissions does not count toward it. Last evaluated 2025-02-16.

Conditions:
ITGA8-related disorder. Also called: ITGA8-related condition.

Allele frequency attached by ClinVar (database versions not stated): ESP Exome Variant Server 0.00015; ExAC 0.00031; 1000 Genomes Project 30x 0.00047; 1000 Genomes Project 0.00060.
gnomAD v4.1: 360 of 1,614,174 alleles (0.022%); highest among the groups gnomAD compares: East Asian, 0.16%; no homozygotes.

Submissions (3):

Laboratory of Genetics, Children's Clinical University Hospital Latvia
Classification: Likely benign. Last evaluated: 2025-02-16. Review status: criteria provided, single submitter. Criteria: ACMG Guidelines, 2015. Collection method: clinical testing. Allele origin: germline. Affected: yes.

Labcorp Genetics (formerly Invitae), Labcorp
Classification: Benign. Last evaluated: 2023-06-06. Review status: criteria provided, single submitter. Criteria: Invitae Variant Classification Sherloc (09022015). Collection method: clinical testing. Allele origin: germline.

PreventionGenetics, part of Exact Sciences
Classification: Likely benign for ITGA8-related condition. Last evaluated: 2019-10-25. Review status: no assertion criteria provided. Collection method: clinical testing. Allele origin: germline. Not counted in ClinVar's aggregate classification.
Comment: This variant is classified as likely benign based on ACMG/AMP sequence variant interpretation guidelines (Richards et al. 2015 PMID: 25741868, with internal and published modifications).

NM_003638.3(ITGA8):c.312G>A (p.Ala104=)

Gene: ITGA8 (integrin subunit alpha 8; minus strand). Cytogenetic location: 10p13.
Variant type: single nucleotide variant.
Coding change: c.312G>A on transcript NM_003638.3 (MANE Select); coding-DNA position 312, G replaced by A.
Protein change: p.Ala104=; no amino-acid change (alanine 104 retained).
Molecular consequence: synonymous variant.
Genome position (GRCh38, 1-based): chr10:15,718,797, C>T on the plus strand (G>A on the coding strand, the complement: ITGA8 is on the minus strand). VCF-style: chr10-15718797-C-T. GRCh37 (hg19) VCF-style: chr10-15760796-C-T.
Other names: c.312G>A, p.Ala104= (NM_001291494.2); c.312G>A (NM_003638.2).
Identifiers: ClinVar variation 2739289 (VCV002739289.6), dbSNP rs143130734, ClinGen allele CA5420739.